The following is an entry in ClinVar:

ClinVar aggregate classification (germline): Pathogenic/Likely pathogenic. Review status: criteria provided, multiple submitters, no conflicts (2 of 4 stars). 3 submissions from 3 submitters: Pathogenic (2); Likely pathogenic (1). Last evaluated 2023-08-30.

Conditions:
Methylmalonic acidemia (MMA). Also called: Isolated Methylmalonic Acidemia. Identifiers: MedGen C0268583, MeSH C537358, MONDO:0002012, HP:0002912.
Methylmalonic aciduria due to methylmalonyl-CoA mutase deficiency (MAMM). Also called: Methylmalonic aciduria, mut type. Identifiers: Orphanet 27, MedGen C1855114, MONDO:0009612, OMIM 251000.

Submissions (3):

Labcorp Genetics (formerly Invitae), Labcorp
Classification: Pathogenic. Last evaluated: 2023-08-30. Review status: criteria provided, single submitter. Criteria: Invitae Variant Classification Sherloc (09022015). Collection method: clinical testing. Allele origin: germline.
Comment: This variant is not present in population databases (gnomAD no frequency). This sequence change replaces glutamic acid, which is acidic and polar, with alanine, which is neutral and non-polar, at codon 432 of the MUT protein (p.Glu432Ala). This missense change has been observed in individual(s) with methylmalonic aciduria (PMID: 23430940, 26454439). In at least one individual the data is consistent with being in trans (on the opposite chromosome) from a pathogenic variant. ClinVar contains an entry for this variant (Variation ID: 1075640). Advanced modeling of protein sequence and biophysical properties (such as structural, functional, and spatial information, amino acid conservation, physicochemical variation, residue mobility, and thermodynamic stability) performed at Invitae indicates that this missense variant is expected to disrupt MUT protein function. For these reasons, this variant has been classified as Pathogenic.

Women's Health and Genetics/Laboratory Corporation of America, LabCorp
Classification: Likely pathogenic for Methylmalonic acidemia. Last evaluated: 2023-08-23. Review status: criteria provided, single submitter. Criteria: LabCorp Variant Classification Summary - May 2015. Collection method: clinical testing. Allele origin: germline.
Comment: Variant summary: MUT c.1295A>C (p.Glu432Ala) results in a non-conservative amino acid change to a highly conserved residue (HGMD) located in the Methylmalonyl-CoA mutase, alpha chain, catalytic (IPR006098) of the encoded protein sequence. Five of five in-silico tools predict a damaging effect of the variant on protein function. The variant was absent in 251192 control chromosomes (gnomAD). c.1295A>C has been reported in the literature in individuals affected with Methylmalonic Acidemia (Liu_2012, Han_2015, Kang_2020, Yu_2021), and some were reported as compound heterozygous with other pathogenic variants. These data indicate that the variant is likely to be associated with disease. To our knowledge, no experimental evidence demonstrating an impact on protein function has been reported. The following publications have been ascertained in the context of this evaluation (PMID: 23430940, 26454439, 31622506, 34668645). One submitter has cited a clinical-significance assessment for this variant to ClinVar after 2014 and has classified the variant as pathogenic. Based on the evidence outlined above, the variant was classified as likely pathogenic.

Juno Genomics, Hangzhou Juno Genomics, Inc
Classification: Pathogenic for Methylmalonic aciduria due to methylmalonyl-CoA mutase deficiency. Review status: criteria provided, single submitter. Criteria: ACMG Guidelines, 2015. Collection method: clinical testing. Allele origin: germline.
Comment: Absent from controls (or at extremely low frequency if recessive) in Genome Aggregation Database.;Multiple lines of computational evidence support a deleterious effect on the gene or gene product.;For recessive disorders, detected in trans with a pathogenic variant.;Patient's phenotype or family history is highly specific for a disease with a single genetic etiology.

Literature cited by the submitters: PubMed 23430940 (cited by Labcorp Genetics (formerly Invitae), Labcorp and Women's Health and Genetics/Laboratory Corporation of America, LabCorp); PubMed 26454439 (cited by Labcorp Genetics (formerly Invitae), Labcorp and Women's Health and Genetics/Laboratory Corporation of America, LabCorp); PubMed 31622506 (cited by Women's Health and Genetics/Laboratory Corporation of America, LabCorp); PubMed 34668645 (cited by Women's Health and Genetics/Laboratory Corporation of America, LabCorp).

NM_000255.4(MMUT):c.1295A>C (p.Glu432Ala)

Gene: MMUT (methylmalonyl-CoA mutase; minus strand). Cytogenetic location: 6p12.3.
Variant type: single nucleotide variant.
Coding change: c.1295A>C on transcript NM_000255.4 (MANE Select); coding-DNA position 1295, A replaced by C.
Protein change: p.Glu432Ala; replaces glutamic acid 432 with alanine.
Molecular consequence: missense variant.
Genome position (GRCh38, 1-based): chr6:49,451,503, T>G on the plus strand (A>C on the coding strand, the complement: MMUT is on the minus strand). VCF-style: chr6-49451503-T-G. GRCh37 (hg19) VCF-style: chr6-49419216-T-G.
Other names: c.1295A>C (NM_000255.3); short protein forms E432A.
Identifiers: ClinVar variation 1075640 (VCV001075640.11), dbSNP rs1297307718, ClinGen allele CA364398703.